The following is an entry in ClinVar:

ClinVar aggregate classification (germline): Uncertain significance (1 of 4 stars; one submission).

Conditions:
Dilated cardiomyopathy 1DD (CMD1DD). Identifiers: Orphanet 154, MedGen C2750995, MONDO:0013168, OMIM 613172.

gnomAD v4.1: 1 of 1,551,802 alleles (0.000064%); highest among the groups gnomAD compares: Non-Finnish European, 0.000087%; no homozygotes.

Submission:

Labcorp Genetics (formerly Invitae), Labcorp
Classification: Uncertain significance for Dilated cardiomyopathy 1DD. Last evaluated: 2023-05-02. Review status: criteria provided, single submitter. Criteria: Invitae Variant Classification Sherloc (09022015). Collection method: clinical testing. Allele origin: germline.
Comment: In summary, the available evidence is currently insufficient to determine the role of this variant in disease. Therefore, it has been classified as a Variant of Uncertain Significance. Advanced modeling of protein sequence and biophysical properties (such as structural, functional, and spatial information, amino acid conservation, physicochemical variation, residue mobility, and thermodynamic stability) performed at Invitae indicates that this missense variant is not expected to disrupt RBM20 protein function. This variant has not been reported in the literature in individuals affected with RBM20-related conditions. This variant is not present in population databases (gnomAD no frequency). This sequence change replaces proline, which is neutral and non-polar, with leucine, which is neutral and non-polar, at codon 174 of the RBM20 protein (p.Pro174Leu).

NM_001134363.3(RBM20):c.521C>T (p.Pro174Leu)

Gene: RBM20 (RNA binding motif protein 20; plus strand). Cytogenetic location: 10q25.2.
Variant type: single nucleotide variant.
Coding change: c.521C>T on transcript NM_001134363.3 (MANE Select); coding-DNA position 521, C replaced by T.
Protein change: p.Pro174Leu; replaces proline 174 with leucine.
Molecular consequence: missense variant.
Genome position (GRCh38, 1-based): chr10:110,781,130, C>T. VCF-style: chr10-110781130-C-T. GRCh37 (hg19) VCF-style: chr10-112540888-C-T.
Other names: short protein forms P174L.
Identifiers: ClinVar variation 2912478 (VCV002912478.3), dbSNP rs971703468, ClinGen allele CA378380937.